The following is an entry in ClinVar:

ClinVar aggregate classification (germline): Uncertain significance. Review status: criteria provided, multiple submitters, no conflicts (2 of 4 stars). 3 submissions from 3 submitters: Uncertain significance (3). Last evaluated 2024-07-19.

Conditions:
Familial thoracic aortic aneurysm and aortic dissection (TAAD). Also called: Thoracic aortic aneurysms and dissections. Identifiers: Orphanet 91387, MedGen C4707243, MONDO:0019625.
Marfan syndrome (MFS). Also called: MARFAN SYNDROME, TYPE I; Marfan syndrome type 1; Marfan's syndrome; Marfan syndrome, classic; FBN1-Related Marfan Syndrome. Identifiers: Orphanet 284963, Orphanet 558, MedGen C0024796, MONDO:0007947, OMIM 154700.

gnomAD v4.1: 1 of 1,614,044 alleles (0.000062%); highest among the groups gnomAD compares: Non-Finnish European, 0.000085%; no homozygotes.

Submissions (3):

Ambry Genetics
Classification: Uncertain significance for Familial thoracic aortic aneurysm and aortic dissection. Last evaluated: 2024-07-19. Review status: criteria provided, single submitter. Criteria: Ambry Variant Classification Scheme 2023. Collection method: clinical testing. Allele origin: germline.
Comment: The p.T2297R variant (also known as c.6890C>G), located in coding exon 56 of the FBN1 gene, results from a C to G substitution at nucleotide position 6890. The threonine at codon 2297 is replaced by arginine, an amino acid with similar properties. This amino acid position is not well conserved in available vertebrate species. In addition, the in silico prediction for this alteration is inconclusive. Based on the available evidence, the clinical significance of this variant remains unclear.

Women's Health and Genetics/Laboratory Corporation of America, LabCorp
Classification: Uncertain significance. Last evaluated: 2024-04-30. Review status: criteria provided, single submitter. Criteria: LabCorp Variant Classification Summary - May 2015. Collection method: clinical testing. Allele origin: germline.
Comment: Variant summary: FBN1 c.6890C>G (p.Thr2297Arg) results in a non-conservative amino acid change located in the EGF-like domain (IPR000742) of the encoded protein sequence. Four of five in-silico tools predict a damaging effect of the variant on protein function. The variant allele was found at a frequency of 4e-06 in 251282 control chromosomes. The available data on variant occurrences in the general population are insufficient to allow any conclusion about variant significance. To our knowledge, no occurrence of c.6890C>G in individuals affected with Aortopathy and no experimental evidence demonstrating its impact on protein function have been reported. ClinVar contains an entry for this variant (Variation ID: 2024034). Based on the evidence outlined above, the variant was classified as uncertain significance.

Labcorp Genetics (formerly Invitae), Labcorp
Classification: Uncertain significance for Marfan syndrome; Familial thoracic aortic aneurysm and aortic dissection. Last evaluated: 2022-01-28. Review status: criteria provided, single submitter. Criteria: Invitae Variant Classification Sherloc (09022015). Collection method: clinical testing. Allele origin: germline.
Comment: In summary, the available evidence is currently insufficient to determine the role of this variant in disease. Therefore, it has been classified as a Variant of Uncertain Significance. This sequence change replaces threonine, which is neutral and polar, with arginine, which is basic and polar, at codon 2297 of the FBN1 protein (p.Thr2297Arg). This variant is present in population databases (no rsID available, gnomAD 0.0009%). This missense change has been observed in individual(s) with clinical features of Marfan syndrome (Invitae). Algorithms developed to predict the effect of missense changes on protein structure and function are either unavailable or do not agree on the potential impact of this missense change (SIFT: "Tolerated"; PolyPhen-2: "Possibly Damaging"; Align-GVGD: "Class C0"). This variant disrupts the p.Thr2297 amino acid residue in FBN1. Other variant(s) that disrupt this residue have been determined to be pathogenic (PMID: 27112580; Invitae). This suggests that this residue is clinically significant, and that variants that disrupt this residue are likely to be disease-causing.

Literature cited by the submitters: PubMed 27112580 (cited by Labcorp Genetics (formerly Invitae), Labcorp).

NM_000138.5(FBN1):c.6890C>G (p.Thr2297Arg)

Gene: FBN1 (fibrillin 1; minus strand). Cytogenetic location: 15q21.1.
Variant type: single nucleotide variant.
Coding change: c.6890C>G on transcript NM_000138.5 (MANE Select); coding-DNA position 6890, C replaced by G.
Protein change: p.Thr2297Arg; replaces threonine 2297 with arginine.
Molecular consequence: missense variant.
Genome position (GRCh38, 1-based): chr15:48,428,453, G>C on the plus strand (C>G on the coding strand, the complement: FBN1 is on the minus strand). VCF-style: chr15-48428453-G-C. GRCh37 (hg19) VCF-style: chr15-48720650-G-C.
Other names: c.6890C>G, p.Thr2297Arg (NM_001406716.1); short protein forms T2297R.
Identifiers: ClinVar variation 2024034 (VCV002024034.6), dbSNP rs773785908, ClinGen allele CA392330876.
Genomic context (GRCh38, chr15:48,428,453, plus strand): 5'-TCACAGGTGTAGCTCCCACGGGTGTTGAGGCAGCGCCCATTCTCACAGATCCCTGGCTTC[G>C]TCTGACATTCATTCTCATCTGTTTGATTTTATTGAAGGACCAAAAACAAGAAGAGTCATC-3'
Protein context (NP_000129.3, residues 2287-2307): EGCVDENECQ[Thr2297Arg]KPGICENGRC